The following is an entry in ClinVar:

ClinVar aggregate classification (germline): Uncertain significance (1 of 4 stars; one submission).

Conditions:
Menkes kinky-hair syndrome (MNK). Also called: Copper transport disease; Menkes Disease; Classic Menkes Disease. Identifiers: Orphanet 565, MedGen C0022716, MONDO:0010651, OMIM 309400.
Cutis laxa, X-linked (OHS). Also called: EDS IX; Occipital horn syndrome. Identifiers: Orphanet 198, MedGen C0268353, MONDO:0010572, OMIM 304150.
X-linked distal spinal muscular atrophy type 3. Also called: ATP7A-Related Distal Motor Neuropathy; SPINAL MUSCULAR ATROPHY, DISTAL, X-LINKED RECESSIVE; NEURONOPATHY, DISTAL HEREDITARY MOTOR, X-LINKED; NEUROPATHY, DISTAL HEREDITARY MOTOR, X-LINKED. Identifiers: Orphanet 139557, MedGen C1845359, MONDO:0010338, OMIM 300489.

Submission:

Labcorp Genetics (formerly Invitae), Labcorp
Classification: Uncertain significance for X-linked distal spinal muscular atrophy type 3; Cutis laxa, X-linked; Menkes kinky-hair syndrome. Last evaluated: 2023-11-27. Review status: criteria provided, single submitter. Criteria: Invitae Variant Classification Sherloc (09022015). Collection method: clinical testing. Allele origin: germline.
Comment: This sequence change replaces serine, which is neutral and polar, with cysteine, which is neutral and slightly polar, at codon 698 of the ATP7A protein (p.Ser698Cys). This variant is not present in population databases (gnomAD no frequency). This variant has not been reported in the literature in individuals affected with ATP7A-related conditions. Advanced modeling of protein sequence and biophysical properties (such as structural, functional, and spatial information, amino acid conservation, physicochemical variation, residue mobility, and thermodynamic stability) performed at Invitae indicates that this missense variant is not expected to disrupt ATP7A protein function with a negative predictive value of 95%. In summary, the available evidence is currently insufficient to determine the role of this variant in disease. Therefore, it has been classified as a Variant of Uncertain Significance.

NM_000052.7(ATP7A):c.2093C>G (p.Ser698Cys)

Gene: ATP7A (ATPase copper transporting alpha; plus strand). Cytogenetic location: Xq21.1.
Variant type: single nucleotide variant.
Coding change: c.2093C>G on transcript NM_000052.7 (MANE Select); coding-DNA position 2093, C replaced by G.
Protein change: p.Ser698Cys; replaces serine 698 with cysteine.
Molecular consequence: missense variant.
Genome position (GRCh38, 1-based): chrX:78,011,595, C>G. VCF-style: chrX-78011595-C-G. GRCh37 (hg19) VCF-style: chrX-77267092-C-G.
Other names: c.2093C>G, p.Ser698Cys (NM_001282224.2); short protein forms S698C.
Identifiers: ClinVar variation 2931302 (VCV002931302.3), dbSNP rs2077826335, ClinGen allele CA413598407.